The following is an entry in ClinVar:

NM_198252.3(GSN):c.1884del (p.Phe628fs)

Gene: GSN (gelsolin; plus strand). Cytogenetic location: 9q33.2.
Variant type: Deletion.
Coding change: c.1884del on transcript NM_198252.3 (MANE Select); coding-DNA position 1884, one base deleted (T; older notation c.1884delT).
Protein change: p.Phe628fs; shifts the reading frame from phenylalanine 628.
Molecular consequence: frameshift variant.
Genome position (GRCh38, 1-based): chr9:121,329,012, T deleted; the last of 4 consecutive T bases (chr9:121,329,009-121,329,012); deleting any one gives the same sequence. VCF-style (leftmost placement, unchanged base first): chr9-121329008-GT-G. GRCh37 (hg19) VCF-style: chr9-124091286-GT-G.
Other names: c.2037del, p.Phe679fs (NM_000177.5); c.1935del, p.Phe645fs (NM_001258029.2); c.1908del, p.Phe636fs (NM_001258030.2); c.1884del, p.Phe628fs (NM_001353053.1, NM_001353054.1, NM_001353057.2 and 10 more transcripts); c.1992del, p.Phe664fs (NM_001127663.2); c.1917del, p.Phe639fs (NM_001127666.2, NM_001127667.2, NM_001353063.2 and 13 more transcripts); c.1956del, p.Phe652fs (NM_001353076.2); c.1230del, p.Phe410fs (NM_001353078.2); short protein forms F628fs, F664fs, F636fs, F645fs, F652fs, F639fs, F410fs, F679fs.
Identifiers: ClinVar variation 1930212 (VCV001930212.5), dbSNP rs763056885, ClinGen allele CA5221441.

ClinVar aggregate classification (germline): Uncertain significance (1 of 4 stars; one submission).

Submission:

Labcorp Genetics (formerly Invitae), Labcorp
Classification: Uncertain significance. Last evaluated: 2022-06-29. Review status: criteria provided, single submitter. Criteria: Invitae Variant Classification Sherloc (09022015). Collection method: clinical testing. Allele origin: germline.
Comment: This sequence change creates a premature translational stop signal (p.Phe679Leufs*2) in the GSN gene. It is expected to result in an absent or disrupted protein product. However, the current clinical and genetic evidence is not sufficient to establish whether loss-of-function variants in GSN cause disease. In summary, the available evidence is currently insufficient to determine the role of this variant in disease. Therefore, it has been classified as a Variant of Uncertain Significance. This variant has not been reported in the literature in individuals affected with GSN-related conditions. This variant is present in population databases (rs763056885, gnomAD 0.0009%).